The following is an entry in ClinVar:

ClinVar aggregate classification (germline): Uncertain significance (1 of 4 stars; one submission).

Conditions:
Neurofibromatosis, type 1 (NF1). Also called: NEUROFIBROMATOSIS, TYPE I, SOMATIC; Peripheral type neurofibromatosis; Neurofibromatosis, type I; VON RECKLINGHAUSEN DISEASE. Identifiers: Orphanet 636, MedGen C0027831, MONDO:0018975, OMIM 162200. Disease mechanism: loss of function.

Submission:

Labcorp Genetics (formerly Invitae), Labcorp
Classification: Uncertain significance for Neurofibromatosis, type 1. Last evaluated: 2021-10-21. Review status: criteria provided, single submitter. Criteria: Invitae Variant Classification Sherloc (09022015). Collection method: clinical testing. Allele origin: germline.
Comment: In summary, the available evidence is currently insufficient to determine the role of this variant in disease. Therefore, it has been classified as a Variant of Uncertain Significance. Algorithms developed to predict the effect of missense changes on protein structure and function are either unavailable or do not agree on the potential impact of this missense change (SIFT: "Tolerated"; PolyPhen-2: "Probably Damaging"; Align-GVGD: "Class C0"). This variant has not been reported in the literature in individuals affected with NF1-related conditions. This variant is not present in population databases (gnomAD no frequency). This sequence change replaces serine, which is neutral and polar, with threonine, which is neutral and polar, at codon 2642 of the NF1 protein (p.Ser2642Thr).

NM_001042492.3(NF1):c.7987T>A (p.Ser2663Thr)

Gene: NF1 (neurofibromin 1; plus strand). Cytogenetic location: 17q11.2.
Variant type: single nucleotide variant.
Coding change: c.7987T>A on transcript NM_001042492.3 (MANE Select); coding-DNA position 7987, T replaced by A.
Protein change: p.Ser2663Thr; replaces serine 2663 with threonine.
Molecular consequence: missense variant.
Genome position (GRCh38, 1-based): chr17:31,358,496, T>A. VCF-style: chr17-31358496-T-A. GRCh37 (hg19) VCF-style: chr17-29685514-T-A.
Other names: c.7924T>A, p.Ser2642Thr (NM_000267.4); short protein forms S2663T, S2642T.
Identifiers: ClinVar variation 1408880 (VCV001408880.6), dbSNP rs2151584821, ClinGen allele CA399203619.